The following is an entry in ClinVar:

NM_001379500.1(COL18A1):c.3448C>T (p.Arg1150Ter)

Genes: COL18A1 (collagen type XVIII alpha 1 chain; plus strand), SLC19A1 (solute carrier family 19 member 1; minus strand). Cytogenetic location: 21q22.3.
Variant type: single nucleotide variant.
Coding change: c.3448C>T on transcript NM_001379500.1 (MANE Select); coding-DNA position 3448, C replaced by T.
Protein change: p.Arg1150Ter; replaces arginine 1150 with a stop codon.
Molecular consequence: nonsense.
Genome position (GRCh38, 1-based): chr21:45,509,554, C>T. VCF-style: chr21-45509554-C-T. GRCh37 (hg19) VCF-style: chr21-46929468-C-T.
Other names: c.3979C>T, p.Arg1327Ter (NM_030582.4); c.4684C>T, p.Arg1562Ter (NM_130444.3); short protein forms R1327*, R1562*, R1150*.
Identifiers: ClinVar variation 373961 (VCV000373961.9), dbSNP rs1057518802, ClinGen allele CA16043568.

ClinVar aggregate classification (germline): Pathogenic/Likely pathogenic. Review status: criteria provided, multiple submitters, no conflicts (2 of 4 stars). 3 submissions from 3 submitters: Pathogenic (1); Likely pathogenic (1). 1 of the submissions does not count toward it. Last evaluated 2025-04-04.

Conditions:
COL18A1-related disorder. Also called: COL18A1-related condition; COL18A1-related disorders.
Cataract. Also called: Cataract (disease); cataracts. Identifiers: MedGen C0086543, MeSH D002386, MONDO:0005129, HP:0000518.
High myopia. Also called: Severe Myopia. Identifiers: MedGen C0271183, HP:0011003.
Retinal dystrophy. Also called: Inherited retinal dystrophy. Identifiers: Orphanet 71862, MedGen C0854723, MeSH D058499, MONDO:0019118, HP:0000556.
Nystagmus. Identifiers: MedGen C0028738, MONDO:0004843, HP:0000639.

Allele frequency attached by ClinVar (database versions not stated): TOPMed below 0.00001.

Submissions (3):

Labcorp Genetics (formerly Invitae), Labcorp
Classification: Pathogenic. Last evaluated: 2025-04-04. Review status: criteria provided, single submitter. Criteria: Invitae Variant Classification Sherloc (09022015). Collection method: clinical testing. Allele origin: germline.
Comment: This sequence change creates a premature translational stop signal (p.Arg1147*) in the COL18A1 gene. It is expected to result in an absent or disrupted protein product. Loss-of-function variants in COL18A1 are known to be pathogenic (PMID: 12415512, 25456301). This variant is not present in population databases (gnomAD no frequency). This variant has not been reported in the literature in individuals affected with COL18A1-related conditions. ClinVar contains an entry for this variant (Variation ID: 373961). For these reasons, this variant has been classified as Pathogenic.

Blueprint Genetics
Classification: Likely pathogenic for COL18A1-related disorders. Last evaluated: 2019-04-01. Review status: criteria provided, single submitter. Criteria: ACMG Guidelines, 2015. Collection method: clinical testing. Allele origin: germline. Affected: yes. Observed: 2 variant alleles.

Centre for Mendelian Genomics, University Medical Centre Ljubljana
Classification: Likely pathogenic for Cataract; Nystagmus; Retinal dystrophy; High myopia. Last evaluated: 2016-02-25. Review status: no assertion criteria provided. Collection method: clinical testing. Allele origin: unknown. Affected: yes. Not counted in ClinVar's aggregate classification.

Literature cited by the submitters: PubMed 12415512 (cited by Labcorp Genetics (formerly Invitae), Labcorp); PubMed 25456301 (cited by Labcorp Genetics (formerly Invitae), Labcorp).